The following is an entry in ClinVar:

NM_000071.3(CBS):c.209C>T (p.Pro70Leu)

Gene: CBS (cystathionine beta-synthase; minus strand). Cytogenetic location: 21q22.3.
Variant type: single nucleotide variant.
Coding change: c.209C>T on transcript NM_000071.3 (MANE Select); coding-DNA position 209, C replaced by T.
Protein change: p.Pro70Leu; replaces proline 70 with leucine.
Molecular consequence: missense variant.
Genome position (GRCh38, 1-based): chr21:43,071,985, G>A on the plus strand (C>T on the coding strand, the complement: CBS is on the minus strand). VCF-style: chr21-43071985-G-A. GRCh37 (hg19) VCF-style: chr21-44492095-G-A.
Other names: p.P70L:CCG>CTG; c.209C>T, p.Pro70Leu (NM_001178008.3, NM_001178009.3, NM_001320298.2); short protein forms P70L.
Identifiers: ClinVar variation 212841 (VCV000212841.8), dbSNP rs2229413, ClinGen allele CA323808.

ClinVar aggregate classification (germline): Conflicting classifications of pathogenicity. Review status: criteria provided, conflicting classifications (1 of 4 stars). 4 submissions from 4 submitters: Uncertain significance (3); Likely benign (1). Last evaluated 2025-07-28.

Conditions:
Familial thoracic aortic aneurysm and aortic dissection (TAAD). Also called: Thoracic aortic aneurysms and dissections. Identifiers: Orphanet 91387, MedGen C4707243, MONDO:0019625.
HYPERHOMOCYSTEINEMIA, THROMBOTIC, CBS-RELATED. Identifiers: MedGen C3150344, OMIM 236200.

Allele frequency attached by ClinVar (database versions not stated): gnomAD 0.00003; 1000 Genomes Project 0.00040.

Submissions (4):

Women's Health and Genetics/Laboratory Corporation of America, LabCorp
Classification: Uncertain significance. Last evaluated: 2025-07-28. Review status: criteria provided, single submitter. Criteria: LabCorp Variant Classification Summary - May 2015. Collection method: clinical testing. Allele origin: germline.
Comment: Variant summary: CBS c.209C>T (p.Pro70Leu) results in a non-conservative amino acid change in the encoded protein sequence. Algorithms developed to predict the effect of missense changes on protein structure and function are either unavailable or do not agree on the potential impact of this missense change. Consensus agreement among computation tools predict no significant impact on normal splicing. However, these predictions have yet to be confirmed by functional studies. The variant allele was found at a frequency of 4.4e-05 in 249920 control chromosomes (gnomAD). This frequency is not significantly higher than estimated for a pathogenic variant in CBS causing Homocystinuria (4.4e-05 vs 0.003), allowing no conclusion about variant significance. To our knowledge, no occurrence of c.209C>T in individuals affected with Homocystinuria has been reported. At least one publication reports experimental evidence evaluating an impact on protein function and this variant affected the CBS protein function (Mayfield_2012). The following publication have been ascertained in the context of this evaluation (PMID: 22267502). ClinVar contains an entry for this variant (Variation ID: 212841). Based on the evidence outlined above, the variant was classified as uncertain significance.

Labcorp Genetics (formerly Invitae), Labcorp
Classification: Uncertain significance for HYPERHOMOCYSTEINEMIA, THROMBOTIC, CBS-RELATED. Last evaluated: 2024-07-17. Review status: criteria provided, single submitter. Criteria: Invitae Variant Classification Sherloc (09022015). Collection method: clinical testing. Allele origin: germline.
Comment: This sequence change replaces proline, which is neutral and non-polar, with leucine, which is neutral and non-polar, at codon 70 of the CBS protein (p.Pro70Leu). This variant is present in population databases (rs2229413, gnomAD 0.03%). This variant has not been reported in the literature in individuals affected with CBS-related conditions. ClinVar contains an entry for this variant (Variation ID: 212841). An algorithm developed to predict the effect of missense changes on protein structure and function outputs the following: PolyPhen-2: "Benign". The leucine amino acid residue is found in multiple mammalian species, which suggests that this missense change does not adversely affect protein function. Experimental studies have shown that this missense change affects CBS function (PMID: 22267502). In summary, the available evidence is currently insufficient to determine the role of this variant in disease. Therefore, it has been classified as a Variant of Uncertain Significance.

Ambry Genetics
Classification: Uncertain significance for Familial thoracic aortic aneurysm and aortic dissection. Last evaluated: 2020-03-10. Review status: criteria provided, single submitter. Criteria: Ambry Variant Classification Scheme 2023. Collection method: clinical testing. Allele origin: germline.
Comment: The p.P70L variant (also known as c.209C>T), located in coding exon 1 of the CBS gene, results from a C to T substitution at nucleotide position 209. The amino acid change results in proline to leucine at codon 70, an amino acid with similar properties. This variant resulted in intermediate growth in one yeast growth assay (Mayfield JA et al. Genetics, 2012 Apr;190:1309-23). This amino acid position is poorly conserved in available vertebrate species. In addition, this alteration is predicted to be tolerated by in silico analysis. Since supporting evidence is limited at this time, the clinical significance of this alteration remains unclear.

GeneDx
Classification: Likely benign. Last evaluated: 2014-12-17. Review status: criteria provided, single submitter. Criteria: GeneDx Variant Classification (06012015). Collection method: clinical testing. Allele origin: germline. Affected: yes.
Comment: This variant is considered likely benign or benign based on one or more of the following criteria: it is a conservative change, it occurs at a poorly conserved position in the protein, it is predicted to be benign by multiple in silico algorithms, and/or has population frequency not consistent with disease.

Literature cited by the submitters: PubMed 22267502 (cited by 3 submitters); PubMed 15494741 (cited by Ambry Genetics); PubMed 20031640 (cited by Ambry Genetics).